The following is an entry in ClinVar:

NC_000020.10:g.(?_25394406)_(25426627_?)del

Gene: GINS1 (GINS complex subunit 1; plus strand). Cytogenetic location: 20p11.21.
Variant type: Deletion.
Identifiers: ClinVar variation 2426657 (VCV002426657.4).

ClinVar aggregate classification (germline): Uncertain significance (1 of 4 stars; one submission).

Submission:

Labcorp Genetics (formerly Invitae), Labcorp
Classification: Uncertain significance. Last evaluated: 2022-10-18. Review status: criteria provided, single submitter. Criteria: Invitae Variant Classification Sherloc (09022015). Collection method: clinical testing. Allele origin: germline.
Comment: In summary, the available evidence is currently insufficient to determine the role of this variant in disease. Therefore, it has been classified as a Variant of Uncertain Significance. Experimental studies and prediction algorithms are not available or were not evaluated, and the functional significance of this variant is currently unknown. This variant has not been reported in the literature in individuals affected with GINS1-related conditions. This variant is a gross deletion of the genomic region encompassing exon(s) 2-7 of the GINS1 gene, which includes the termination codon. This deletion extends beyond the assayed region for this gene and therefore may encompass additional genes. While this deletion is not anticipated to lead to nonsense mediated decay, it is expected to alter mRNA translation or result in a truncated protein product.